The following is an entry in ClinVar:

NM_020937.4(FANCM):c.4473C>T (p.Ala1491=)

Gene: FANCM (FA complementation group M; plus strand). Cytogenetic location: 14q21.2.
Variant type: single nucleotide variant.
Coding change: c.4473C>T on transcript NM_020937.4 (MANE Select); coding-DNA position 4473, C replaced by T.
Protein change: p.Ala1491=; no amino-acid change (alanine 1491 retained).
Molecular consequence: synonymous variant.
Genome position (GRCh38, 1-based): chr14:45,183,860, C>T. VCF-style: chr14-45183860-C-T. GRCh37 (hg19) VCF-style: chr14-45653063-C-T.
Other names: c.4395C>T, p.Ala1465= (NM_001308133.2); c.4473C>T (NM_020937.3).
Identifiers: ClinVar variation 2064328 (VCV002064328.11), dbSNP rs572520252, ClinGen allele CA7169757.

ClinVar aggregate classification (germline): Likely benign. Review status: criteria provided, multiple submitters, no conflicts (2 of 4 stars). 4 submissions from 4 submitters: Likely benign (3). 1 of the submissions does not count toward it. Last evaluated 2026-01-01.

Conditions:
FANCM-related disorder. Also called: FANCM-related condition.
Fanconi anemia (FA). Also called: Fanconi's anemia. Identifiers: Orphanet 84, MedGen C0015625, MeSH D005199, MONDO:0019391.
Inborn genetic diseases. Identifiers: MedGen C0950123, MeSH D030342.

Allele frequency attached by ClinVar (database versions not stated): gnomAD exomes below 0.00001; TOPMed below 0.00001; gnomAD 0.00001; ExAC 0.00002.
gnomAD v4.1: 8 of 1,611,748 alleles (0.0005%); highest among the groups gnomAD compares: Middle Eastern, 0.017%; no homozygotes.

Submissions (4):

CeGaT Center for Human Genetics Tuebingen
Classification: Likely benign. Last evaluated: 2026-01-01. Review status: criteria provided, single submitter. Criteria: CeGaT Center For Human Genetics Tuebingen Variant Classification Criteria Version 2. Collection method: clinical testing. Allele origin: germline. Affected: yes. Observed: 1 variant allele.
Comment: FANCM: BP4, BP7

Ambry Genetics
Classification: Likely benign for Inborn genetic diseases. Last evaluated: 2024-11-30. Review status: criteria provided, single submitter. Criteria: Ambry Variant Classification Scheme 2023. Collection method: clinical testing. Allele origin: germline.

Labcorp Genetics (formerly Invitae), Labcorp
Classification: Likely benign for Fanconi anemia. Last evaluated: 2024-02-08. Review status: criteria provided, single submitter. Criteria: Invitae Variant Classification Sherloc (09022015). Collection method: clinical testing. Allele origin: germline.

PreventionGenetics, part of Exact Sciences
Classification: Likely benign for FANCM-related condition. Last evaluated: 2023-09-28. Review status: no assertion criteria provided. Collection method: clinical testing. Allele origin: germline. Not counted in ClinVar's aggregate classification.
Comment: This variant is classified as likely benign based on ACMG/AMP sequence variant interpretation guidelines (Richards et al. 2015 PMID: 25741868, with internal and published modifications).